The following is an entry in ClinVar:

NM_001267550.2(TTN):c.104548T>A (p.Leu34850Ile)

Genes: TTN (titin; minus strand), TTN-AS1 (TTN antisense RNA 1; plus strand). Cytogenetic location: 2q31.2.
Variant type: single nucleotide variant.
Coding change: c.104548T>A on transcript NM_001267550.2 (MANE Select); coding-DNA position 104548, T replaced by A.
Protein change: p.Leu34850Ile; replaces leucine 34850 with isoleucine.
Molecular consequence: missense variant.
Genome position (GRCh38, 1-based): chr2:178,532,067, A>T on the plus strand (T>A on the coding strand, the complement: TTN is on the minus strand). VCF-style: chr2-178532067-A-T. GRCh37 (hg19) VCF-style: chr2-179396794-A-T.
Other names: c.99625T>A, p.Leu33209Ile (NM_001256850.1); c.77353T>A, p.Leu25785Ile (NM_003319.4); c.96844T>A, p.Leu32282Ile (NM_133378.4); c.77728T>A, p.Leu25910Ile (NM_133432.3); c.77929T>A, p.Leu25977Ile (NM_133437.4); short protein forms L25785I, L25910I, L25977I, L32282I, L33209I, L34850I.
Identifiers: ClinVar variation 3752773 (VCV003752773.2).

ClinVar aggregate classification (germline): Uncertain significance (1 of 4 stars; one submission).

Conditions:
Autosomal recessive limb-girdle muscular dystrophy type 2J (LGMDR10). Also called: Limb-girdle muscular dystrophy, type 2J; MUSCULAR DYSTROPHY, LIMB-GIRDLE, AUTOSOMAL RECESSIVE 10. Identifiers: Orphanet 140922, MedGen C1837342, MONDO:0012127, OMIM 608807.
Dilated cardiomyopathy 1G (CMD1G). Identifiers: Orphanet 154, MedGen C1858763, MONDO:0011400, OMIM 604145.

Submission:

Labcorp Genetics (formerly Invitae), Labcorp
Classification: Uncertain significance for Dilated cardiomyopathy 1G; Autosomal recessive limb-girdle muscular dystrophy type 2J. Last evaluated: 2025-02-04. Review status: criteria provided, single submitter. Criteria: Invitae Variant Classification Sherloc (09022015). Collection method: clinical testing. Allele origin: germline.
Comment: This sequence change replaces leucine, which is neutral and non-polar, with isoleucine, which is neutral and non-polar, at codon 34850 of the TTN protein (p.Leu34850Ile). This variant is not present in population databases (gnomAD no frequency). This variant has not been reported in the literature in individuals affected with TTN-related conditions. Experimental studies and prediction algorithms are not available or were not evaluated, and the functional significance of this variant is currently unknown. This variant is located in the M band of TTN (PMID: 25589632). Non-truncating variants in this region may be relevant for neuromuscular disorders, but have not been definitively shown to cause cardiomyopathy (PMID: 23975875). In summary, the available evidence is currently insufficient to determine the role of this variant in disease. Therefore, it has been classified as a Variant of Uncertain Significance.

Literature cited by the submitters: PubMed 25589632; PubMed 23975875.